The following is an entry in ClinVar:

ClinVar aggregate classification (germline): Uncertain significance (1 of 4 stars; one submission).

Allele frequency attached by ClinVar (database versions not stated): gnomAD 0.00001; gnomAD exomes below 0.00001; TOPMed below 0.00001.
gnomAD v4.1: 7 of 1,612,894 alleles (0.00043%); highest among the groups gnomAD compares: Non-Finnish European, 0.00059%; no homozygotes.

Submission:

GeneDx
Classification: Uncertain significance. Last evaluated: 2021-08-13. Review status: criteria provided, single submitter. Criteria: GeneDx Variant Classification Process June 2021. Collection method: clinical testing. Allele origin: germline. Affected: yes.
Comment: Not observed at significant frequency in large population cohorts (Lek et al., 2016); In silico analysis supports that this missense variant has a deleterious effect on protein structure/function; Has not been previously published as pathogenic or benign to our knowledge; This variant is associated with the following publications: (PMID: 27535533)

NM_018896.5(CACNA1G):c.2576T>G (p.Met859Arg)

Gene: CACNA1G (calcium voltage-gated channel subunit alpha1 G; plus strand). Cytogenetic location: 17q21.33.
Variant type: single nucleotide variant.
Coding change: c.2576T>G on transcript NM_018896.5 (MANE Select); coding-DNA position 2576, T replaced by G.
Protein change: p.Met859Arg; replaces methionine 859 with arginine.
Molecular consequence: missense variant. On other transcripts: non-coding transcript variant (5).
Genome position (GRCh38, 1-based): chr17:50,591,557, T>G. VCF-style: chr17-50591557-T-G. GRCh37 (hg19) VCF-style: chr17-48668918-T-G.
Other names: c.2576T>G, p.Met859Arg (NM_001256324.2, NM_001256325.2, NM_001256326.2 and 24 more transcripts); short protein forms M859R.
Identifiers: ClinVar variation 382324 (VCV000382324.3), dbSNP rs1057521328, ClinGen allele CA16607379.